The following is an entry in ClinVar:

NM_152564.5(VPS13B):c.10753G>A (p.Asp3585Asn)

Gene: VPS13B (vacuolar protein sorting 13 homolog B; plus strand). Cytogenetic location: 8q22.2.
Variant type: single nucleotide variant.
Coding change: c.10753G>A on transcript NM_152564.5 (MANE Select); coding-DNA position 10753, G replaced by A.
Protein change: p.Asp3585Asn; replaces aspartic acid 3585 with asparagine.
Molecular consequence: missense variant.
Genome position (GRCh38, 1-based): chr8:99,854,142, G>A. VCF-style: chr8-99854142-G-A. GRCh37 (hg19) VCF-style: chr8-100866370-G-A.
Other names: c.10828G>A, p.Asp3610Asn (NM_017890.5); c.10753G>A (NM_152564.4); short protein forms D3585N, D3610N.
Identifiers: ClinVar variation 499858 (VCV000499858.6), dbSNP rs1311421082, ClinGen allele CA371785779.

ClinVar aggregate classification (germline): Uncertain significance. Review status: criteria provided, single submitter (1 of 4 stars). 2 submissions from 2 submitters: Uncertain significance (1). 1 of the submissions does not count toward it. Last evaluated 2017-01-11.

Conditions:
VPS13B-related disorder. Also called: VPS13B-related condition.

Allele frequency attached by ClinVar (database versions not stated): gnomAD exomes below 0.00001 and 0.00001.
gnomAD v4.1: 7 of 1,613,094 alleles (0.00043%); highest among the groups gnomAD compares: South Asian, 0.0011%; no homozygotes.

Submissions (2):

Eurofins Ntd Llc (ga)
Classification: Uncertain significance. Last evaluated: 2017-01-11. Review status: criteria provided, single submitter. Criteria: EGL Classification Definitions 2015. Collection method: clinical testing. Allele origin: germline. Observed: 1 variant allele, 1 heterozygote.

PreventionGenetics, part of Exact Sciences
Classification: Uncertain significance for VPS13B-related condition. Last evaluated: 2024-03-05. Review status: no assertion criteria provided. Collection method: clinical testing. Allele origin: germline. Not counted in ClinVar's aggregate classification.
Comment: The VPS13B c.10753G>A variant is predicted to result in the amino acid substitution p.Asp3585Asn. To our knowledge, this variant has not been reported in the literature. This variant is reported in 0.00088% of alleles in individuals of European (Non-Finnish) descent in gnomAD. At this time, the clinical significance of this variant is uncertain due to the absence of conclusive functional and genetic evidence.